The following is an entry in ClinVar:

ClinVar aggregate classification (germline): Uncertain significance (1 of 4 stars; one submission).

Conditions:
Joubert syndrome. Also called: JOUBERT-BOLTSHAUSER SYNDROME; Familial aplasia of the vermis. Identifiers: Orphanet 475, MedGen C5979921, MONDO:0018772.
Meckel-Gruber syndrome. Also called: DYSENCEPHALIA SPLANCHNOCYSTICA; GRUBER SYNDROME; Dysencephalia splachnocystica. Identifiers: Orphanet 564, MedGen C0265215, MONDO:0018921.

Submission:

Labcorp Genetics (formerly Invitae), Labcorp
Classification: Uncertain significance for Joubert syndrome; Meckel-Gruber syndrome. Last evaluated: 2023-10-13. Review status: criteria provided, single submitter. Criteria: Invitae Variant Classification Sherloc (09022015). Collection method: clinical testing. Allele origin: germline.
Comment: This sequence change replaces leucine, which is neutral and non-polar, with valine, which is neutral and non-polar, at codon 654 of the CC2D2A protein (p.Leu654Val). This variant is not present in population databases (gnomAD no frequency). This variant has not been reported in the literature in individuals affected with CC2D2A-related conditions. ClinVar contains an entry for this variant (Variation ID: 1347922). Advanced modeling of protein sequence and biophysical properties (such as structural, functional, and spatial information, amino acid conservation, physicochemical variation, residue mobility, and thermodynamic stability) performed at Invitae indicates that this missense variant is not expected to disrupt CC2D2A protein function. Algorithms developed to predict the effect of sequence changes on RNA splicing suggest that this variant may disrupt the consensus splice site. In summary, the available evidence is currently insufficient to determine the role of this variant in disease. Therefore, it has been classified as a Variant of Uncertain Significance.

NM_001378615.1(CC2D2A):c.1960C>G (p.Leu654Val)

Genes: CC2D2A (coiled-coil and C2 domain containing 2A; plus strand), FBXL5 (F-box and leucine rich repeat protein 5; minus strand). Cytogenetic location: 4p15.32.
Variant type: single nucleotide variant.
Coding change: c.1960C>G on transcript NM_001378615.1 (MANE Select); coding-DNA position 1960, C replaced by G.
Protein change: p.Leu654Val; replaces leucine 654 with valine.
Molecular consequence: missense variant.
Genome position (GRCh38, 1-based): chr4:15,538,094, C>G. VCF-style: chr4-15538094-C-G. GRCh37 (hg19) VCF-style: chr4-15539717-C-G.
Other names: c.1960C>G, p.Leu654Val (NM_001080522.2); c.1813C>G, p.Leu605Val (NM_001378617.1); short protein forms L654V, L605V.
Identifiers: ClinVar variation 1347922 (VCV001347922.8), dbSNP rs2109035388, ClinGen allele CA356411945.